The following is an entry in ClinVar:

ClinVar aggregate classification (germline): Uncertain significance (1 of 4 stars; one submission).

Conditions:
Developmental and epileptic encephalopathy, 8 (DEE8). Also called: HYPEREKPLEXIA AND EPILEPSY. Identifiers: Orphanet 163985, Orphanet 2076, MedGen C1845102, MONDO:0010375, OMIM 300607.

Submissions (2):

Labcorp Genetics (formerly Invitae), Labcorp
Classification: Uncertain significance for Developmental and epileptic encephalopathy, 8. Last evaluated: 2020-01-28. Review status: criteria provided, single submitter. Criteria: Invitae Variant Classification Sherloc (09022015). Collection method: clinical testing. Allele origin: germline.
Comment: In summary, the available evidence is currently insufficient to determine the role of this variant in disease. Therefore, it has been classified as a Variant of Uncertain Significance. Algorithms developed to predict the effect of sequence changes on RNA splicing suggest that this variant may disrupt the consensus splice site, but this prediction has not been confirmed by published transcriptional studies. This variant has not been reported in the literature in individuals with ARHGEF9-related conditions. This variant is not present in population databases (ExAC no frequency). This sequence change affects codon 456 of the ARHGEF9 mRNA. It is a 'silent' change, meaning that it does not change the encoded amino acid sequence of the ARHGEF9 protein.

Dr. Peter K. Rogan Lab, Western University
No classification provided (evidence only). Condition: Nonpapillary renal cell carcinoma. Review status: no classification provided. Collection method: in vitro. Allele origin: not applicable. Functional consequence: retained intron. Not counted in ClinVar's aggregate classification.

NM_001353921.2(ARHGEF9):c.1389A>G (p.Lys463=)

Gene: ARHGEF9 (Cdc42 guanine nucleotide exchange factor 9; minus strand). Cytogenetic location: Xq11.1.
Variant type: single nucleotide variant.
Coding change: c.1389A>G on transcript NM_001353921.2 (MANE Select); coding-DNA position 1389, A replaced by G.
Protein change: p.Lys463=; no amino-acid change (lysine 463 retained).
Molecular consequence: synonymous variant. On other transcripts: 3 prime UTR variant (2).
Genome position (GRCh38, 1-based): chrX:63,643,981, T>C on the plus strand (A>G on the coding strand, the complement: ARHGEF9 is on the minus strand). VCF-style: chrX-63643981-T-C. GRCh37 (hg19) VCF-style: chrX-62863861-T-C.
Other names: c.1209A>G, p.Lys403= (NM_001173479.2); c.1062A>G, p.Lys354= (NM_001173480.2, NM_001369042.1); c.1305A>G, p.Lys435= (NM_001330495.2, NM_001369033.1, NM_001369034.1 and 4 more transcripts); c.1257A>G, p.Lys419= (NM_001353922.2); c.1407A>G, p.Lys469= (NM_001353923.1); c.1188A>G, p.Lys396= (NM_001353924.2, NM_001353926.2, NM_001369039.1 and 1 more transcripts); c.1173A>G, p.Lys391= (NM_001353927.2, NM_001369041.1); c.1236A>G, p.Lys412= (NM_001353928.2); and 3 more.
Identifiers: ClinVar variation 655101 (VCV000655101.10), dbSNP rs1602179094, ClinGen allele CA516870798.
Genomic context (GRCh38, chrX:63,643,981, plus strand): 5'-GTAAGCATATAGCTTATGATTCCATAGTCTTTCACAGAGACTGAGTGGGGCAGCTTTACC[T>C]TTTTGCTTAGGGACTTTTCTCACAGTCATTGCAGCCTGCCTCTTCTGGTTTTCAGAAATT-3'
Protein context (NP_001340850.1, residues 453-473): AMTVRKVPKQ[Lys463=]GVNSARSVPP